The following is an entry in ClinVar:

ClinVar aggregate classification (germline): Pathogenic (1 of 4 stars; one submission).

Submission:

Labcorp Genetics (formerly Invitae), Labcorp
Classification: Pathogenic. Last evaluated: 2023-08-29. Review status: criteria provided, single submitter. Criteria: Invitae Variant Classification Sherloc (09022015). Collection method: clinical testing. Allele origin: germline.
Comment: For these reasons, this variant has been classified as Pathogenic. This variant has not been reported in the literature in individuals affected with STAR-related conditions. This variant is present in population databases (no rsID available, gnomAD 0.0009%). This sequence change creates a premature translational stop signal (p.Gln158*) in the STAR gene. It is expected to result in an absent or disrupted protein product. Loss-of-function variants in STAR are known to be pathogenic (PMID: 8948562).

Literature cited by the submitters: PubMed 8948562.

NM_000349.3(STAR):c.472C>T (p.Gln158Ter)

Gene: STAR (steroidogenic acute regulatory protein; minus strand). Cytogenetic location: 8p11.23.
Variant type: single nucleotide variant.
Coding change: c.472C>T on transcript NM_000349.3 (MANE Select); coding-DNA position 472, C replaced by T.
Protein change: p.Gln158Ter; replaces glutamine 158 with a stop codon.
Molecular consequence: nonsense.
Genome position (GRCh38, 1-based): chr8:38,146,141, G>A on the plus strand (C>T on the coding strand, the complement: STAR is on the minus strand). VCF-style: chr8-38146141-G-A. GRCh37 (hg19) VCF-style: chr8-38003659-G-A.
Other names: short protein forms Q158*.
Identifiers: ClinVar variation 2995568 (VCV002995568.3), dbSNP rs1157869748, ClinGen allele CA370699848.
Genomic context (GRCh38, chr8:38,146,141, plus strand): 5'-GGTTTCCTGCTGCCTCGGCAGCCAGCTCGTGAGTAATGAATGTATCTTTTCCGATCTTCT[G>A]CAGGACCTACCAGGCCATGGGGAACCAGAATCACGACTCAGCCTGTGTTGGGCTAAGCAC-3'